The following is an entry in ClinVar:

ClinVar aggregate classification (germline): Conflicting classifications of pathogenicity. Review status: criteria provided, conflicting classifications (1 of 4 stars). 4 submissions from 4 submitters: Uncertain significance (1); Likely benign (3). Last evaluated 2026-05-11.

Conditions:
Cardiovascular phenotype. Identifiers: MedGen CN230736.
Hereditary cancer-predisposing syndrome. Also called: Neoplastic Syndromes, Hereditary; Tumor predisposition; Hereditary neoplastic syndrome; Hereditary Cancer Syndrome. Identifiers: Orphanet 140162, MedGen C0027672, MeSH D009386, MONDO:0015356.
Neurofibromatosis, type 1 (NF1). Also called: VON RECKLINGHAUSEN DISEASE; NEUROFIBROMATOSIS, TYPE I, SOMATIC; Neurofibromatosis, type I; Peripheral type neurofibromatosis. Identifiers: Orphanet 636, MedGen C0027831, MONDO:0018975, OMIM 162200. Disease mechanism: loss of function.

Allele frequency attached by ClinVar (database versions not stated): ExAC 0.00001; TOPMed 0.00001; ESP Exome Variant Server 0.00008; gnomAD exomes below 0.00001.

Submissions (4):

Myriad Genetics, Inc.
Classification: Likely benign for Neurofibromatosis, type 1. Last evaluated: 2026-05-11. Review status: criteria provided, single submitter. Criteria: Myriad Autosomal Dominant, Autosomal Recessive and X-Linked Classification Criteria (2023). Collection method: clinical testing. Allele origin: unknown.
Comment: This variant is considered likely benign. This variant is intronic and is not expected to impact mRNA splicing.

Women's Health and Genetics/Laboratory Corporation of America, LabCorp
Classification: Likely benign. Last evaluated: 2025-04-28. Review status: criteria provided, single submitter. Criteria: LabCorp Variant Classification Summary - May 2015. Collection method: clinical testing. Allele origin: germline.

Ambry Genetics
Classification: Uncertain significance for Cardiovascular phenotype; Hereditary cancer-predisposing syndrome. Last evaluated: 2024-08-19. Review status: criteria provided, single submitter. Criteria: Ambry Variant Classification Scheme 2023. Collection method: clinical testing. Allele origin: germline.
Comment: The c.655-5T>C intronic variant results from a T to C substitution 5 nucleotides upstream from coding exon 7 in the NF1 gene. This nucleotide position is well conserved in available vertebrate species. In silico splice site analysis predicts that this alteration will not have any significant effect on splicing; however, direct evidence is insufficient at this time (Ambry internal data). Based on the available evidence, the clinical significance of this variant remains unclear.

Labcorp Genetics (formerly Invitae), Labcorp
Classification: Likely benign for Neurofibromatosis, type 1. Last evaluated: 2024-08-11. Review status: criteria provided, single submitter. Criteria: Invitae Variant Classification Sherloc (09022015). Collection method: clinical testing. Allele origin: germline.

NM_001042492.3(NF1):c.655-5T>C

Gene: NF1 (neurofibromin 1; plus strand). Cytogenetic location: 17q11.2.
Variant type: single nucleotide variant.
Coding change: c.655-5T>C on transcript NM_001042492.3 (MANE Select); 5 bases into the intron before coding-DNA position 655, T replaced by C.
Molecular consequence: intron variant.
Genome position (GRCh38, 1-based): chr17:31,181,705, T>C. VCF-style: chr17-31181705-T-C. GRCh37 (hg19) VCF-style: chr17-29508723-T-C.
Other names: c.655-5T>C (NM_000267.4, NM_001128147.3).
Identifiers: ClinVar variation 1630309 (VCV001630309.13), dbSNP rs377264487, ClinGen allele CA8485602.